The following is an entry in ClinVar:

NM_002354.3(EPCAM):c.305G>A (p.Ser102Asn)

Gene: EPCAM (epithelial cell adhesion molecule; plus strand). Cytogenetic location: 2p21.
Variant type: single nucleotide variant.
Coding change: c.305G>A on transcript NM_002354.3 (MANE Select); coding-DNA position 305, G replaced by A.
Protein change: p.Ser102Asn; replaces serine 102 with asparagine.
Molecular consequence: missense variant.
Genome position (GRCh38, 1-based): chr2:47,373,928, G>A. VCF-style: chr2-47373928-G-A. GRCh37 (hg19) VCF-style: chr2-47601067-G-A.
Other names: short protein forms S102N.
Identifiers: ClinVar variation 1799351 (VCV001799351.2), dbSNP rs2103747473, ClinGen allele CA346723142.

ClinVar aggregate classification (germline): Uncertain significance (1 of 4 stars; one submission).

Conditions:
Hereditary cancer-predisposing syndrome. Also called: Neoplastic Syndromes, Hereditary; Tumor predisposition; Hereditary Cancer Syndrome; Hereditary neoplastic syndrome. Identifiers: Orphanet 140162, MedGen C0027672, MeSH D009386, MONDO:0015356.

Submission:

Ambry Genetics
Classification: Uncertain significance for Hereditary cancer-predisposing syndrome. Last evaluated: 2022-06-21. Review status: criteria provided, single submitter. Criteria: Ambry Variant Classification Scheme 2023. Collection method: clinical testing. Allele origin: germline.
Comment: The p.S102N variant (also known as c.305G>A), located in coding exon 3 of the EPCAM gene, results from a G to A substitution at nucleotide position 305. The serine at codon 102 is replaced by asparagine, an amino acid with highly similar properties. This amino acid position is conserved. In addition, this alteration is predicted to be tolerated by in silico analysis. Since supporting evidence is limited at this time, the clinical significance of this alteration remains unclear.